The following is an entry in ClinVar:

NM_015102.5(NPHP4):c.985A>C (p.Lys329Gln)

Gene: NPHP4 (nephrocystin 4; minus strand). Cytogenetic location: 1p36.31.
Variant type: single nucleotide variant.
Coding change: c.985A>C on transcript NM_015102.5 (MANE Select); coding-DNA position 985, A replaced by C.
Protein change: p.Lys329Gln; replaces lysine 329 with glutamine.
Molecular consequence: missense variant. On other transcripts: 5 prime UTR variant (2), non-coding transcript variant (1).
Genome position (GRCh38, 1-based): chr1:5,948,077, T>G on the plus strand (A>C on the coding strand, the complement: NPHP4 is on the minus strand). VCF-style: chr1-5948077-T-G. GRCh37 (hg19) VCF-style: chr1-6008137-T-G.
Other names: c.-382A>C (NM_001291593.2, NM_001291594.2); short protein forms K329Q.
Identifiers: ClinVar variation 2006392 (VCV002006392.4), dbSNP rs2523139845, ClinGen allele CA338064428.

ClinVar aggregate classification (germline): Uncertain significance (1 of 4 stars; one submission).

Conditions:
Nephronophthisis. Also called: Juvenile Nephronophthisis. Identifiers: Orphanet 655, MedGen C0687120, MONDO:0019005, HP:0000090.

Allele frequency attached by ClinVar (database versions not stated): gnomAD exomes below 0.00001.
gnomAD v4.1: 1 of 1,613,220 alleles (0.000062%); highest among the groups gnomAD compares: South Asian, 0.0011%; no homozygotes.

Submission:

Labcorp Genetics (formerly Invitae), Labcorp
Classification: Uncertain significance for Nephronophthisis. Last evaluated: 2022-06-14. Review status: criteria provided, single submitter. Criteria: Invitae Variant Classification Sherloc (09022015). Collection method: clinical testing. Allele origin: germline.
Comment: In summary, the available evidence is currently insufficient to determine the role of this variant in disease. Therefore, it has been classified as a Variant of Uncertain Significance. This sequence change replaces lysine, which is basic and polar, with glutamine, which is neutral and polar, at codon 329 of the NPHP4 protein (p.Lys329Gln). This variant is not present in population databases (gnomAD no frequency). This variant has not been reported in the literature in individuals affected with NPHP4-related conditions. Algorithms developed to predict the effect of missense changes on protein structure and function are either unavailable or do not agree on the potential impact of this missense change (SIFT: "Tolerated"; PolyPhen-2: "Possibly Damaging"; Align-GVGD: "Class C0").